The following is an entry in ClinVar:

NM_000540.3(RYR1):c.4373A>G (p.Gln1458Arg)

Gene: RYR1 (ryanodine receptor 1; plus strand). Cytogenetic location: 19q13.2.
Variant type: single nucleotide variant.
Coding change: c.4373A>G on transcript NM_000540.3 (MANE Select); coding-DNA position 4373, A replaced by G.
Protein change: p.Gln1458Arg; replaces glutamine 1458 with arginine.
Molecular consequence: missense variant.
Genome position (GRCh38, 1-based): chr19:38,477,789, A>G. VCF-style: chr19-38477789-A-G. GRCh37 (hg19) VCF-style: chr19-38968429-A-G.
Other names: c.4373A>G, p.Gln1458Arg (NM_001042723.2); short protein forms Q1458R.
Identifiers: ClinVar variation 3074460 (VCV003074460.1), dbSNP rs867867544, ClinGen allele CA081513.

ClinVar aggregate classification (germline): Uncertain significance (1 of 4 stars; one submission).

Conditions:
Malignant hyperthermia, susceptibility to, 1 (MHS1). Also called: Anesthesia related hyperthermia; Malignant hyperpyrexia; Fulminating hyperpyrexia; Pharmacogenic myopathy; RYR1-Related Malignant Hyperthermia Susceptibility; Malignant hyperthermia suceptibility 1. Identifiers: Orphanet 423, MedGen C2930980, MONDO:0007783, OMIM 145600.

Allele frequency attached by ClinVar (database versions not stated): TOPMed below 0.00001; gnomAD 0.00001.
gnomAD v4.1: 3 of 1,613,688 alleles (0.00019%); highest among the groups gnomAD compares: Non-Finnish European, 0.00025%; no homozygotes.

Submission:

All of Us Research Program, National Institutes of Health
Classification: Uncertain significance for Malignant hyperthermia, susceptibility to, 1. Last evaluated: 2023-11-20. Review status: criteria provided, single submitter. Criteria: ACMG Guidelines, 2015. Collection method: clinical testing. Allele origin: germline. Inheritance: Autosomal dominant inheritance. Observed: 1 variant allele, 1 heterozygote.
Comment: This missense variant replaces glutamine with arginine at codon 1458 of the RYR1 protein. Computational prediction suggests that this variant may not impact protein structure and function (internally defined REVEL score threshold <= 0.5, PMID: 27666373). To our knowledge, functional studies have not been reported for this variant. This variant has not been reported in individuals affected with RYR1-related disorders in the literature. This variant has not been identified in the general population by the Genome Aggregation Database (gnomAD). The available evidence is insufficient to determine the role of this variant in disease conclusively. Therefore, this variant is classified as a Variant of Uncertain Significance.

This study involves interpretation of variants in research participants for the purpose of population health screening. Participant phenotype was not available at the time of variant classification. Additional details can be found in publication PMID: 35346344, PMCID: PMC8962531